The following is an entry in ClinVar:

ClinVar aggregate classification (germline): Likely benign. Review status: criteria provided, multiple submitters, no conflicts (2 of 4 stars). 3 submissions from 3 submitters: Likely benign (3). Last evaluated 2026-01-20.

Conditions:
MYO7A-related disorder. Also called: MYO7A-related disorders.

Allele frequency attached by ClinVar (database versions not stated): TOPMed 0.00003; gnomAD 0.00004 and 0.00005; ESP Exome Variant Server 0.00008.
gnomAD v4.1: 81 of 1,597,162 alleles (0.0051%); highest among the groups gnomAD compares: Middle Eastern, 0.016%; no homozygotes.

Submissions (3):

PreventionGenetics, part of Exact Sciences
Classification: Likely benign for MYO7A-related condition. Last evaluated: 2026-01-20. Review status: criteria provided, single submitter. Criteria: ACMG Guidelines, 2015. Collection method: clinical testing. Allele origin: germline.
Comment: This variant is classified as likely benign based on ACMG/AMP sequence variant interpretation guidelines (Richards et al. 2015 PMID: 25741868, with internal and published modifications).

Labcorp Genetics (formerly Invitae), Labcorp
Classification: Likely benign. Last evaluated: 2025-12-01. Review status: criteria provided, single submitter. Criteria: Invitae Variant Classification Sherloc (09022015). Collection method: clinical testing. Allele origin: germline.

Blueprint Genetics
Classification: Likely benign. Last evaluated: 2022-10-24. Review status: criteria provided, single submitter. Criteria: ACMG Guidelines, 2015. Collection method: clinical testing. Allele origin: germline.

NM_000260.4(MYO7A):c.5523G>A (p.Thr1841=)

Gene: MYO7A (myosin VIIA; plus strand). Cytogenetic location: 11q13.5.
Variant type: single nucleotide variant.
Coding change: c.5523G>A on transcript NM_000260.4 (MANE Select); coding-DNA position 5523, G replaced by A.
Protein change: p.Thr1841=; no amino-acid change (threonine 1841 retained).
Molecular consequence: synonymous variant.
Genome position (GRCh38, 1-based): chr11:77,205,504, G>A. VCF-style: chr11-77205504-G-A. GRCh37 (hg19) VCF-style: chr11-76916549-G-A.
Other names: c.5409G>A, p.Thr1803= (NM_001127180.2); c.5376G>A, p.Thr1792= (NM_001369365.1); c.5523G>A (NM_000260.3).
Identifiers: ClinVar variation 1405848 (VCV001405848.8), dbSNP rs375883645, ClinGen allele CA224853887.